The following is an entry in ClinVar:

ClinVar aggregate classification (germline): Conflicting classifications of pathogenicity. Review status: criteria provided, conflicting classifications (1 of 4 stars). 4 submissions from 4 submitters: Uncertain significance (1); Benign (1); Likely benign (2). Last evaluated 2025-10-26.

Conditions:
Wolfram syndrome 1 (WFS1). Identifiers: Orphanet 3463, MedGen C4551693, MONDO:0009101, OMIM 222300.

Allele frequency attached by ClinVar (database versions not stated): gnomAD exomes 0.00002 and 0.00009; ExAC 0.00005; gnomAD 0.00005 and 0.00006; ESP Exome Variant Server 0.00008; TOPMed 0.00010.
gnomAD v4.1: 134 of 1,557,448 alleles (0.0086%); highest among the groups gnomAD compares: African/African-American, 0.011%; no homozygotes.

Submissions (4):

Labcorp Genetics (formerly Invitae), Labcorp
Classification: Uncertain significance. Last evaluated: 2025-10-26. Review status: criteria provided, single submitter. Criteria: Invitae Variant Classification Sherloc (09022015). Collection method: clinical testing. Allele origin: germline.
Comment: This sequence change affects codon 77 of the WFS1 mRNA. It is a 'silent' change, meaning that it does not change the encoded amino acid sequence of the WFS1 protein. It affects a nucleotide within the consensus splice site. The frequency data for this variant in the population databases is considered unreliable, as metrics indicate poor data quality at this position in the gnomAD database. This variant has not been reported in the literature in individuals affected with WFS1-related conditions. ClinVar contains an entry for this variant (Variation ID: 391090). Algorithms developed to predict the effect of sequence changes on RNA splicing suggest that this variant is not likely to affect RNA splicing. In summary, the available evidence is currently insufficient to determine the role of this variant in disease. Therefore, it has been classified as a Variant of Uncertain Significance.

Blueprint Genetics
Classification: Likely benign. Last evaluated: 2021-10-19. Review status: criteria provided, single submitter. Criteria: ACMG Guidelines, 2015. Collection method: clinical testing. Allele origin: germline.

GeneDx
Classification: Likely benign. Last evaluated: 2020-05-11. Review status: criteria provided, single submitter. Criteria: GeneDx Variant Classification Process June 2021. Collection method: clinical testing. Allele origin: germline. Affected: yes.

Clinical Genomics, Uppaluri K&H Personalized Medicine Clinic
Classification: Benign for Wolfram syndrome 1. Review status: criteria provided, single submitter. Criteria: K & H Uppaluri Personalized Medicine Clinic Variant Classification & Assertion Criteria_Updated V.1. Collection method: research. Allele origin: unknown. Inheritance: Autosomal recessive inheritance.
Comment: Potent mutations in WFS1 gene are associated with Wolfram's syndrome, an autosomal recessive condition, which cause diabetes mellitus, diabetes insipidus, deafness and optic atrophy. However no sufficient evidence is found to ascertain the role of this particular variant rs372609400 in Wolfram's syndrome yet.

Literature cited by the submitters: PubMed 20738327 (cited by Clinical Genomics, Uppaluri K&H Personalized Medicine Clinic); PubMed 33879153 (cited by Clinical Genomics, Uppaluri K&H Personalized Medicine Clinic); PubMed 12955714 (cited by Clinical Genomics, Uppaluri K&H Personalized Medicine Clinic); PubMed 18060660 (cited by Clinical Genomics, Uppaluri K&H Personalized Medicine Clinic); PubMed 20301750 (cited by Clinical Genomics, Uppaluri K&H Personalized Medicine Clinic); PubMed 17603484 (cited by Clinical Genomics, Uppaluri K&H Personalized Medicine Clinic).

NM_006005.3(WFS1):c.231C>T (p.Thr77=)

Gene: WFS1 (wolframin ER transmembrane glycoprotein; plus strand). Cytogenetic location: 4p16.1.
Variant type: single nucleotide variant.
Coding change: c.231C>T on transcript NM_006005.3 (MANE Select); coding-DNA position 231, C replaced by T.
Protein change: p.Thr77=; no amino-acid change (threonine 77 retained).
Molecular consequence: synonymous variant.
Genome position (GRCh38, 1-based): chr4:6,277,686, C>T. VCF-style: chr4-6277686-C-T. GRCh37 (hg19) VCF-style: chr4-6279413-C-T.
Other names: c.231C>T, p.Thr77= (NM_001145853.1).
Identifiers: ClinVar variation 391090 (VCV000391090.14), dbSNP rs372609400, ClinGen allele CA2838823.
Genomic context (GRCh38, chr4:6,277,686, plus strand): 5'-AGCGGCCCCCGCTGAACCCCAGGCCCAGCATACCAGGAGCCGGGAAAGAGCAGACGGCAC[C>T]GGTAAGGGAGCAGGCTGGGAAGCCCAGGCTGGGGATGTTCAGGGATAGCTGGGTGGGAAC-3'
Protein context (NP_005996.2, residues 67-87): HTRSRERADG[Thr77=]GPTKGDMEIP